The following is an entry in ClinVar:

ClinVar aggregate classification (germline): Uncertain significance. Review status: criteria provided, multiple submitters, no conflicts (2 of 4 stars). 2 submissions from 2 submitters: Uncertain significance (2). Last evaluated 2025-03-25.

Conditions:
Sessile serrated polyposis cancer syndrome (SSPCS). Identifiers: Orphanet 157798, MedGen C4310714, MONDO:0014919, OMIM 617108.

Submissions (2):

Ambry Genetics
Classification: Uncertain significance. Last evaluated: 2025-03-25. Review status: criteria provided, single submitter. Criteria: Ambry Variant Classification Scheme 2023. Collection method: clinical testing. Allele origin: germline.
Comment: The p.V36A variant (also known as c.107T>C), located in coding exon 1 of the RNF43 gene, results from a T to C substitution at nucleotide position 107. The valine at codon 36 is replaced by alanine, an amino acid with similar properties. This amino acid position is conserved. In addition, this alteration is predicted to be tolerated by in silico analysis. Based on the available evidence, the clinical significance of this variant remains unclear.

Baylor Genetics
Classification: Uncertain significance for Sessile serrated polyposis cancer syndrome. Last evaluated: 2024-01-19. Review status: criteria provided, single submitter. Criteria: ACMG Guidelines, 2015. Collection method: clinical testing. Allele origin: unknown.

NM_017763.6(RNF43):c.107T>C (p.Val36Ala)

Gene: RNF43 (ring finger protein 43; minus strand). Cytogenetic location: 17q22.
Variant type: single nucleotide variant.
Coding change: c.107T>C on transcript NM_017763.6 (MANE Select); coding-DNA position 107, T replaced by C.
Protein change: p.Val36Ala; replaces valine 36 with alanine.
Molecular consequence: missense variant.
Genome position (GRCh38, 1-based): chr17:58,415,471, A>G on the plus strand (T>C on the coding strand, the complement: RNF43 is on the minus strand). VCF-style: chr17-58415471-A-G. GRCh37 (hg19) VCF-style: chr17-56492832-A-G.
Other names: c.107T>C, p.Val36Ala (NM_001305544.3); c.107T>C (NM_017763.4); short protein forms V36A.
Identifiers: ClinVar variation 3240366 (VCV003240366.2), dbSNP rs1598172867.